The following is an entry in ClinVar:

ClinVar aggregate classification (germline): Uncertain significance. Review status: criteria provided, multiple submitters, no conflicts (2 of 4 stars). 3 submissions from 3 submitters: Uncertain significance (3). Last evaluated 2023-08-29.

Conditions:
Hereditary nonpolyposis colorectal neoplasms. Identifiers: MedGen C0009405, MeSH D003123.
Hereditary cancer-predisposing syndrome. Also called: Neoplastic Syndromes, Hereditary; Tumor predisposition; Hereditary Cancer Syndrome; Hereditary neoplastic syndrome. Identifiers: Orphanet 140162, MedGen C0027672, MeSH D009386, MONDO:0015356.
Lynch syndrome 4 (LYNCH4). Also called: Colorectal cancer, hereditary nonpolyposis, type 4; Hereditary non-polyposis colorectal cancer, type 4. Identifiers: Orphanet 144, MedGen C1838333, MONDO:0013699, OMIM 614337. Disease mechanism: loss of function.

Submissions (3):

Baylor Genetics
Classification: Uncertain significance for Lynch syndrome 4. Last evaluated: 2023-08-29. Review status: criteria provided, single submitter. Criteria: ACMG Guidelines, 2015. Collection method: clinical testing. Allele origin: unknown.

Labcorp Genetics (formerly Invitae), Labcorp
Classification: Uncertain significance for Hereditary nonpolyposis colorectal neoplasms. Last evaluated: 2021-07-18. Review status: criteria provided, single submitter. Criteria: Invitae Variant Classification Sherloc (09022015). Collection method: clinical testing. Allele origin: germline.
Comment: ClinVar contains an entry for this variant (Variation ID: 819531). Advanced modeling of protein sequence and biophysical properties (such as structural, functional, and spatial information, amino acid conservation, physicochemical variation, residue mobility, and thermodynamic stability) performed at Invitae indicates that this missense variant is not expected to disrupt PMS2 protein function. In summary, the available evidence is currently insufficient to determine the role of this variant in disease. Therefore, it has been classified as a Variant of Uncertain Significance. This variant has not been reported in the literature in individuals affected with PMS2-related conditions. This sequence change replaces threonine with serine at codon 52 of the PMS2 protein (p.Thr52Ser). The threonine residue is highly conserved and there is a small physicochemical difference between threonine and serine. This variant is not present in population databases (ExAC no frequency).

Ambry Genetics
Classification: Uncertain significance for Hereditary cancer-predisposing syndrome. Last evaluated: 2019-09-03. Review status: criteria provided, single submitter. Criteria: Ambry Variant Classification Scheme 2023. Collection method: clinical testing. Allele origin: germline.
Comment: The p.T52S variant (also known as c.155C>G), located in coding exon 2 of the PMS2 gene, results from a C to G substitution at nucleotide position 155. The threonine at codon 52 is replaced by serine, an amino acid with similar properties. This amino acid position is highly conserved in available vertebrate species. In addition, the in silico prediction for this alteration is inconclusive. Since supporting evidence is limited at this time, the clinical significance of this alteration remains unclear.

NM_000535.7(PMS2):c.155C>G (p.Thr52Ser)

Gene: PMS2 (PMS1 homolog 2, mismatch repair system component; minus strand). Cytogenetic location: 7p22.1.
Variant type: single nucleotide variant.
Coding change: c.155C>G on transcript NM_000535.7 (MANE Select); coding-DNA position 155, C replaced by G.
Protein change: p.Thr52Ser; replaces threonine 52 with serine.
Molecular consequence: missense variant. On other transcripts: 5 prime UTR variant (8), non-coding transcript variant (1), intron variant (3).
Genome position (GRCh38, 1-based): chr7:6,005,900, G>C on the plus strand (C>G on the coding strand, the complement: PMS2 is on the minus strand). VCF-style: chr7-6005900-G-C. GRCh37 (hg19) VCF-style: chr7-6045531-G-C.
Other names: c.-251C>G (NM_001322003.2, NM_001322005.2, NM_001322009.2 and 1 more transcripts); c.155C>G, p.Thr52Ser (NM_001322006.2, NM_001322014.2); c.-61C>G (NM_001322007.2); c.-730C>G (NM_001322011.2, NM_001322012.2); c.-330C>G (NM_001322015.2); c.-52-1842C>G (NM_001322008.2); c.-242-1842C>G (NM_001322010.2, NM_001322004.2); short protein forms T52S.
Identifiers: ClinVar variation 819531 (VCV000819531.13), dbSNP rs1583418387, ClinGen allele CA366744960.